The following is an entry in ClinVar:

ClinVar aggregate classification (germline): Uncertain significance (1 of 4 stars; one submission).

gnomAD v4.1: 4 of 1,612,238 alleles (0.00025%); highest among the groups gnomAD compares: South Asian, 0.0011%; no homozygotes.

Submission:

Labcorp Genetics (formerly Invitae), Labcorp
Classification: Uncertain significance. Last evaluated: 2025-10-16. Review status: criteria provided, single submitter. Criteria: Invitae Variant Classification Sherloc (09022015). Collection method: clinical testing. Allele origin: germline.
Comment: This sequence change affects an acceptor splice site in intron 7 of the DDX58 gene. It is expected to disrupt RNA splicing. Variants that disrupt the donor or acceptor splice site typically lead to a loss of protein function (PMID: 16199547), however the current clinical and genetic evidence is not sufficient to establish whether loss-of-function variants in DDX58 cause disease. The frequency data for this variant in the population databases is considered unreliable, as metrics indicate poor data quality at this position in the gnomAD database. This variant has not been reported in the literature in individuals affected with DDX58-related conditions. Algorithms developed to predict the effect of sequence changes on RNA splicing suggest that this variant may disrupt the consensus splice site. In summary, the available evidence is currently insufficient to determine the role of this variant in disease. Therefore, it has been classified as a Variant of Uncertain Significance.

Literature cited by the submitters: PubMed 16199547.

NM_014314.4(RIGI):c.954-2A>G

Gene: RIGI (RNA sensor RIG-I; minus strand). Cytogenetic location: 9p21.1.
Variant type: single nucleotide variant.
Coding change: c.954-2A>G on transcript NM_014314.4 (MANE Select); the canonical splice acceptor site of the intron before coding-DNA position 954, A replaced by G.
Molecular consequence: splice acceptor variant. On other transcripts: intron variant (1).
Genome position (GRCh38, 1-based): chr9:32,488,205, T>C on the plus strand (A>G on the coding strand, the complement: RIGI is on the minus strand). VCF-style: chr9-32488205-T-C. GRCh37 (hg19) VCF-style: chr9-32488203-T-C.
Other names: c.345-2A>G (NM_001385912.1); c.939-2A>G (NM_001385913.1); c.954-8A>G (NM_001385907.1); c.954-2A>G (NM_001385909.1); c.510-2A>G (NM_001385914.1); c.513-2A>G (NM_001385910.1).
Identifiers: ClinVar variation 4694033 (VCV004694033.1).